The following is an entry in ClinVar:

NM_006389.5(HYOU1):c.1166T>G (p.Val389Gly)

Genes: HYOU1 (hypoxia up-regulated 1; minus strand), LOC130006884 (ATAC-STARR-seq lymphoblastoid active region 5617; plus strand). Cytogenetic location: 11q23.3.
Variant type: single nucleotide variant.
Coding change: c.1166T>G on transcript NM_006389.5 (MANE Select); coding-DNA position 1166, T replaced by G.
Protein change: p.Val389Gly; replaces valine 389 with glycine.
Molecular consequence: missense variant.
Genome position (GRCh38, 1-based): chr11:119,052,129, A>C on the plus strand (T>G on the coding strand, the complement: HYOU1 is on the minus strand). VCF-style: chr11-119052129-A-C. GRCh37 (hg19) VCF-style: chr11-118922841-A-C.
Other names: c.1166T>G, p.Val389Gly (NM_001130991.3, NM_001411041.1); short protein forms V389G.
Identifiers: ClinVar variation 3660027 (VCV003660027.2).

ClinVar aggregate classification (germline): Uncertain significance (1 of 4 stars; one submission).

Submission:

Labcorp Genetics (formerly Invitae), Labcorp
Classification: Uncertain significance. Last evaluated: 2024-08-14. Review status: criteria provided, single submitter. Criteria: Invitae Variant Classification Sherloc (09022015). Collection method: clinical testing. Allele origin: germline.
Comment: This sequence change replaces valine, which is neutral and non-polar, with glycine, which is neutral and non-polar, at codon 389 of the HYOU1 protein (p.Val389Gly). This variant is not present in population databases (gnomAD no frequency). This variant has not been reported in the literature in individuals affected with HYOU1-related conditions. An algorithm developed to predict the effect of missense changes on protein structure and function (PolyPhen-2) suggests that this variant is likely to be disruptive. In summary, the available evidence is currently insufficient to determine the role of this variant in disease. Therefore, it has been classified as a Variant of Uncertain Significance.